The following is an entry in ClinVar:

ClinVar aggregate classification (germline): Pathogenic (1 of 4 stars; one submission).

Allele frequency attached by ClinVar (database versions not stated): gnomAD exomes below 0.00001.
gnomAD v4.1: 1 of 1,580,338 alleles (0.000063%); highest among the groups gnomAD compares: Non-Finnish European, 0.000087%; no homozygotes.

Submission:

Labcorp Genetics (formerly Invitae), Labcorp
Classification: Pathogenic. Last evaluated: 2023-06-23. Review status: criteria provided, single submitter. Criteria: Invitae Variant Classification Sherloc (09022015). Collection method: clinical testing. Allele origin: germline.
Comment: This sequence change creates a premature translational stop signal (p.Glu238*) in the GALNT3 gene. It is expected to result in an absent or disrupted protein product. Loss-of-function variants in GALNT3 are known to be pathogenic (PMID: 15133511, 20358599). This variant is present in population databases (no rsID available, gnomAD 0.0009%). This variant has not been reported in the literature in individuals affected with GALNT3-related conditions. ClinVar contains an entry for this variant (Variation ID: 2035823). Algorithms developed to predict the effect of sequence changes on RNA splicing suggest that this variant may disrupt the consensus splice site. For these reasons, this variant has been classified as Pathogenic.

Literature cited by the submitters: PubMed 15133511; PubMed 20358599.

NM_004482.4(GALNT3):c.712G>T (p.Glu238Ter)

Gene: GALNT3 (polypeptide N-acetylgalactosaminyltransferase 3; minus strand). Cytogenetic location: 2q24.3.
Variant type: single nucleotide variant.
Coding change: c.712G>T on transcript NM_004482.4 (MANE Select); coding-DNA position 712, G replaced by T.
Protein change: p.Glu238Ter; replaces glutamic acid 238 with a stop codon.
Molecular consequence: nonsense.
Genome position (GRCh38, 1-based): chr2:165,762,031, C>A on the plus strand (G>T on the coding strand, the complement: GALNT3 is on the minus strand). VCF-style: chr2-165762031-C-A. GRCh37 (hg19) VCF-style: chr2-166618541-C-A.
Other names: short protein forms E238*.
Identifiers: ClinVar variation 2035823 (VCV002035823.5), dbSNP rs1352133982, ClinGen allele CA349040332.